The following is an entry in ClinVar:

ClinVar aggregate classification (germline): Uncertain significance (1 of 4 stars; one submission).

Allele frequency attached by ClinVar (database versions not stated): ExAC 0.00002; gnomAD 0.00002; TOPMed 0.00002; ESP Exome Variant Server 0.00008.
gnomAD v4.1: 62 of 1,607,538 alleles (0.0039%); highest among the groups gnomAD compares: Non-Finnish European, 0.0047%; no homozygotes.

Submission:

Labcorp Genetics (formerly Invitae), Labcorp
Classification: Uncertain significance. Last evaluated: 2023-11-07. Review status: criteria provided, single submitter. Criteria: Invitae Variant Classification Sherloc (09022015). Collection method: clinical testing. Allele origin: germline.
Comment: This sequence change replaces glycine, which is neutral and non-polar, with alanine, which is neutral and non-polar, at codon 284 of the RIMS1 protein (p.Gly284Ala). This variant is present in population databases (rs369389847, gnomAD 0.006%). This variant has not been reported in the literature in individuals affected with RIMS1-related conditions. Algorithms developed to predict the effect of missense changes on protein structure and function output the following: SIFT: "Not Available"; PolyPhen-2: "Benign"; Align-GVGD: "Not Available". The alanine amino acid residue is found in multiple mammalian species, which suggests that this missense change does not adversely affect protein function. In summary, the available evidence is currently insufficient to determine the role of this variant in disease. Therefore, it has been classified as a Variant of Uncertain Significance.

NM_014989.7(RIMS1):c.851G>C (p.Gly284Ala)

Gene: RIMS1 (regulating synaptic membrane exocytosis 1; plus strand). Cytogenetic location: 6q13.
Variant type: single nucleotide variant.
Coding change: c.851G>C on transcript NM_014989.7 (MANE Select); coding-DNA position 851, G replaced by C.
Protein change: p.Gly284Ala; replaces glycine 284 with alanine.
Molecular consequence: missense variant.
Genome position (GRCh38, 1-based): chr6:72,182,322, G>C. VCF-style: chr6-72182322-G-C. GRCh37 (hg19) VCF-style: chr6-72892025-G-C.
Other names: short protein forms G284A.
Identifiers: ClinVar variation 2723453 (VCV002723453.3), dbSNP rs369389847, ClinGen allele CA3885603.
Genomic context (GRCh38, chr6:72,182,322, plus strand): 5'-GACGTTCCTTTGTATATCATAGAAAGAAGACCCCAGGGCTTTCCGAGCAGAATGGCAAAG[G>C]AGCCCTGAAGAGCGAGCGGAAACGCGTGCCAAAGACCTCAGCGCAGCCCGTGGAGGGGGC-3'
Protein context (NP_055804.2, residues 274-294): TPGLSEQNGK[Gly284Ala]ALKSERKRVP